The following is an entry in ClinVar:

ClinVar aggregate classification (germline): Uncertain significance (1 of 4 stars; one submission).

Submission:

CeGaT Center for Human Genetics Tuebingen
Classification: Uncertain significance. Last evaluated: 2023-12-01. Review status: criteria provided, single submitter. Criteria: CeGaT Center For Human Genetics Tuebingen Variant Classification Criteria Version 2. Collection method: clinical testing. Allele origin: germline. Affected: yes. Observed: 1 variant allele.
Comment: TRIO: PM2, PP3

NM_007118.4(TRIO):c.994A>T (p.Arg332Trp)

Gene: TRIO (trio Rho guanine nucleotide exchange factor; plus strand). Cytogenetic location: 5p15.2.
Variant type: single nucleotide variant.
Coding change: c.994A>T on transcript NM_007118.4 (MANE Select); coding-DNA position 994, A replaced by T.
Protein change: p.Arg332Trp; replaces arginine 332 with tryptophan.
Molecular consequence: missense variant. On other transcripts: non-coding transcript variant (1).
Genome position (GRCh38, 1-based): chr5:14,291,169, A>T. VCF-style: chr5-14291169-A-T. GRCh37 (hg19) VCF-style: chr5-14291278-A-T.
Other names: short protein forms R332W.
Identifiers: ClinVar variation 3026236 (VCV003026236.22), dbSNP rs1276669173, ClinGen allele CA359210949.